The following is an entry in ClinVar:

ClinVar aggregate classification (germline): Uncertain significance (1 of 4 stars; one submission).

Submission:

Labcorp Genetics (formerly Invitae), Labcorp
Classification: Uncertain significance. Last evaluated: 2025-03-07. Review status: criteria provided, single submitter. Criteria: Invitae Variant Classification Sherloc (09022015). Collection method: clinical testing. Allele origin: germline.
Comment: This sequence change creates a premature translational stop signal (p.Asp799Glyfs*20) in the IFT88 gene. While this is not anticipated to result in nonsense mediated decay, it is expected to disrupt the last 35 amino acid(s) of the IFT88 protein. This variant is not present in population databases (gnomAD no frequency). This variant has not been reported in the literature in individuals affected with IFT88-related conditions. Experimental studies and prediction algorithms are not available or were not evaluated, and the functional significance of this variant is currently unknown. In summary, the available evidence is currently insufficient to determine the role of this variant in disease. Therefore, it has been classified as a Variant of Uncertain Significance.

NM_006531.5(IFT88):c.2366dup (p.Asp790fs)

Gene: IFT88 (intraflagellar transport 88; plus strand). Cytogenetic location: 13q12.11.
Variant type: Duplication.
Coding change: c.2366dup on transcript NM_006531.5 (MANE Select); coding-DNA position 2366, one base duplicated (T; older notation c.2366dupT).
Protein change: p.Asp790fs; shifts the reading frame from aspartic acid 790.
Molecular consequence: frameshift variant. On other transcripts: 3 prime UTR variant (1), non-coding transcript variant (5).
Genome position (GRCh38, 1-based): chr13:20,691,066, T duplicated. VCF-style (leftmost placement, unchanged base first): chr13-20691065-G-GT. GRCh37 (hg19) VCF-style: chr13-21265204-G-GT.
Other names: c.2309dup, p.Asp771fs (NM_001318491.2); c.2393dup, p.Asp799fs (NM_001318493.2, NM_001353565.2, NM_001353566.2 and 2 more transcripts); c.2366dup, p.Asp790fs (NM_001353568.2); c.2291dup, p.Asp765fs (NM_001353569.2, NM_001353570.2); c.2264dup, p.Asp756fs (NM_001353571.2); c.2255dup, p.Asp753fs (NM_001353572.2); c.2222dup, p.Asp742fs (NM_001353573.2); c.2207dup, p.Asp737fs (NM_001353574.2); and 4 more; short protein forms D719fs, D742fs, D756fs, D579fs, D737fs, D753fs, D790fs, D799fs.
Identifiers: ClinVar variation 4714617 (VCV004714617.1).